The following is an entry in ClinVar:

NM_004793.4(LONP1):c.1811C>T (p.Ser604Leu)

Gene: LONP1 (lon peptidase 1, mitochondrial; minus strand). Cytogenetic location: 19p13.3.
Variant type: single nucleotide variant.
Coding change: c.1811C>T on transcript NM_004793.4 (MANE Select); coding-DNA position 1811, C replaced by T.
Protein change: p.Ser604Leu; replaces serine 604 with leucine.
Molecular consequence: missense variant. On other transcripts: non-coding transcript variant (1).
Genome position (GRCh38, 1-based): chr19:5,696,334, G>A on the plus strand (C>T on the coding strand, the complement: LONP1 is on the minus strand). VCF-style: chr19-5696334-G-A. GRCh37 (hg19) VCF-style: chr19-5696345-G-A.
Other names: c.1223C>T, p.Ser408Leu (NM_001276480.1); c.1619C>T, p.Ser540Leu (NM_001276479.2); c.1811C>T (NM_004793.2); short protein forms S540L, S604L, S408L.
Identifiers: ClinVar variation 2776467 (VCV002776467.4), dbSNP rs199574163, ClinGen allele CA9114465.

ClinVar aggregate classification (germline): Uncertain significance. Review status: criteria provided, multiple submitters, no conflicts (2 of 4 stars). 2 submissions from 2 submitters: Uncertain significance (2). Last evaluated 2024-12-24.

Conditions:
Inborn genetic diseases. Identifiers: MedGen C0950123, MeSH D030342.

Allele frequency attached by ClinVar (database versions not stated): gnomAD 0.00001; ExAC 0.00002; TOPMed 0.00002; ESP Exome Variant Server 0.00008.
gnomAD v4.1: 18 of 1,613,164 alleles (0.0011%); highest among the groups gnomAD compares: Non-Finnish European, 0.0014%; no homozygotes.

Submissions (2):

Ambry Genetics
Classification: Uncertain significance for Inborn genetic diseases. Last evaluated: 2024-12-24. Review status: criteria provided, single submitter. Criteria: Ambry Variant Classification Scheme 2023. Collection method: clinical testing. Allele origin: germline.

Labcorp Genetics (formerly Invitae), Labcorp
Classification: Uncertain significance. Last evaluated: 2022-11-24. Review status: criteria provided, single submitter. Criteria: Invitae Variant Classification Sherloc (09022015). Collection method: clinical testing. Allele origin: germline.
Comment: This sequence change replaces serine, which is neutral and polar, with leucine, which is neutral and non-polar, at codon 604 of the LONP1 protein (p.Ser604Leu). This variant is present in population databases (rs199574163, gnomAD 0.003%). This variant has not been reported in the literature in individuals affected with LONP1-related conditions. Advanced modeling of protein sequence and biophysical properties (such as structural, functional, and spatial information, amino acid conservation, physicochemical variation, residue mobility, and thermodynamic stability) performed at Invitae indicates that this missense variant is not expected to disrupt LONP1 protein function. In summary, the available evidence is currently insufficient to determine the role of this variant in disease. Therefore, it has been classified as a Variant of Uncertain Significance.